The following is an entry in ClinVar:

NM_001291415.2(KDM6A):c.164G>T (p.Arg55Leu)

Genes: KDM6A (lysine demethylase 6A; plus strand), LOC130068183 (ATAC-STARR-seq lymphoblastoid silent region 20785; plus strand). Cytogenetic location: Xp11.3.
Variant type: single nucleotide variant.
Coding change: c.164G>T on transcript NM_001291415.2 (MANE Select); coding-DNA position 164, G replaced by T.
Protein change: p.Arg55Leu; replaces arginine 55 with leucine.
Molecular consequence: missense variant. On other transcripts: 5 prime UTR variant (1), non-coding transcript variant (1).
Genome position (GRCh38, 1-based): chrX:44,873,926, G>T. VCF-style: chrX-44873926-G-T. GRCh37 (hg19) VCF-style: chrX-44733172-G-T.
Other names: c.164G>T, p.Arg55Leu (NM_001291416.2, NM_001291417.2, NM_001291418.2 and 9 more transcripts); c.-469G>T (NM_001291421.2); short protein forms R55L.
Identifiers: ClinVar variation 3364929 (VCV003364929.1).
Genomic context (GRCh38, chrX:44,873,926, plus strand): 5'-GGGACGGGTCGGTGGCGTTCCCTGAGCGTTAACGAGTAAACTGTGTCTGTCTCCACAGCC[G>T]CCTCTTTGGGTTCGTGAGATTTCATGAAGATGGCGCCAGGACGAAGGCCCTACTGGGCAA-3'
Protein context (NP_001278344.1, residues 45-65): EREALGGLDS[Arg55Leu]LFGFVRFHED

ClinVar aggregate classification (germline): Uncertain significance (1 of 4 stars; one submission).

Submission:

GeneDx
Classification: Uncertain significance. Last evaluated: 2023-12-04. Review status: criteria provided, single submitter. Criteria: GeneDx Variant Classification Process June 2021. Collection method: clinical testing. Allele origin: germline. Affected: yes.
Comment: Not observed at significant frequency in large population cohorts (gnomAD); In silico analysis supports that this missense variant has a deleterious effect on protein structure/function; Has not been previously published as pathogenic or benign to our knowledge